The following is an entry in ClinVar:

NM_000939.4(POMC):c.643AAG[1] (p.Lys216del)

Gene: POMC (proopiomelanocortin; minus strand). Cytogenetic location: 2p23.3.
Variant type: Microsatellite.
Coding change: c.643AAG[1] on transcript NM_000939.4 (MANE Select); one copy of the 3-base unit AAG starting at c.643; the reference has two copies in a row; one copy, 3 bases deleted.
Protein change: p.Lys216del; deletes lysine 216.
Genome position (GRCh38, 1-based): chr2:25,161,237-25,161,239, CTT deleted on the plus strand (AAG on the coding strand, the reverse complement: POMC is on the minus strand); deleting any 3 consecutive bases within chr2:25,161,237-25,161,244 gives the same sequence; the position shown is the placement nearest the transcript's 3' end. VCF-style (leftmost placement, unchanged base first): chr2-25161236-CCTT-C. GRCh37 (hg19) VCF-style: chr2-25384105-CCTT-C.
Other names: c.643AAG[1], p.Lys216del (NM_001035256.3, NM_001319204.2, NM_001319205.2); short protein forms K216del.
Identifiers: ClinVar variation 3029669 (VCV003029669.2), dbSNP rs1314705916, ClinGen allele CA425353361.
Genomic context (GRCh38, chr2:25,161,236, plus strand): 5'-AGCGCTTGTCCTTGGGCGGGCTGCCCCAGCGGAAGTGCTCCATCCTGTAGGGGCCCTCGT[CCTT>C]CTTCTCGGCCGCCACCAGCAGGCTGTGCTCCAGGTCGGCCTGGGCCCCTGCGCCGTCATC-3'

ClinVar aggregate classification (germline): Uncertain significance (0 of 4 stars; one submission).

Conditions:
POMC-related disorder. Also called: POMC-related condition; POMC-related disorders.

Submission:

PreventionGenetics, part of Exact Sciences
Classification: Uncertain significance for POMC-related condition. Last evaluated: 2024-02-09. Review status: no assertion criteria provided. Collection method: clinical testing. Allele origin: germline.
Comment: The POMC c.646_648delAAG variant is predicted to result in an in-frame deletion (p.Lys216del). To our knowledge, this variant has not been reported in the literature. This variant is reported in 0.0047% of alleles in individuals of European (Finnish) descent in gnomAD. At this time, the clinical significance of this variant is uncertain due to the absence of conclusive functional and genetic evidence.